The following is an entry in ClinVar:

ClinVar aggregate classification (germline): Uncertain significance. Review status: criteria provided, multiple submitters, no conflicts (2 of 4 stars). 6 submissions from 6 submitters: Uncertain significance (5). 1 of the submissions does not count toward it. Last evaluated 2026-06-12.

Conditions:
von Willebrand disease type 1 (VWD1). Also called: VWD, TYPE 1; VON WILLEBRAND DISEASE, TYPE I. Identifiers: Orphanet 166078, Orphanet 903, MedGen C1264039, MONDO:0008668, OMIM 193400. Inheritance: autosomal recessive or autosomal dominant.
VWF-related disorder. Also called: VWF-related condition; VWF-related disorders.
Inborn genetic diseases. Identifiers: MedGen C0950123, MeSH D030342.

Allele frequency attached by ClinVar (database versions not stated): gnomAD exomes 0.00013 and 0.00036; gnomAD 0.00016; ESP Exome Variant Server 0.00023; ExAC 0.00030; TOPMed 0.00037.
gnomAD v4.1: 245 of 1,614,236 alleles (0.015%); highest among the groups gnomAD compares: Admixed American, 0.077%; no homozygotes.

Submissions (6):

Women's Health and Genetics/Laboratory Corporation of America, LabCorp
Classification: Uncertain significance. Last evaluated: 2026-06-12. Review status: criteria provided, single submitter. Criteria: LabCorp Variant Classification Summary - May 2015. Collection method: clinical testing. Allele origin: germline.
Comment: Variant summary: VWF c.2071C>A (p.Pro691Thr) results in a non-conservative amino acid change located in the Trypsin Inhibitor-like, cysteine rich domain (IPR002919) of the encoded protein sequence. Algorithms developed to predict the effect of missense changes on protein structure and function are either unavailable or do not agree on the potential impact of this missense change. The variant allele was found at a frequency of 0.00036 in 251466 control chromosomes. This frequency is not significantly higher than estimated for disease-causing variants in VWF, allowing no conclusion about variant significance. To our knowledge, no occurrence of c.2071C>A in individuals affected with VWF-related conditions and no experimental evidence demonstrating its impact on protein function have been reported. ClinVar contains an entry for this variant (Variation ID: 829927). Based on the evidence outlined above, the variant was classified as uncertain significance.

PreventionGenetics, part of Exact Sciences
Classification: Uncertain significance for VWF-related condition. Last evaluated: 2025-04-30. Review status: criteria provided, single submitter. Criteria: ACMG Guidelines, 2015. Collection method: clinical testing. Allele origin: germline.
Comment: The VWF c.2071C>A variant is predicted to result in the amino acid substitution p.Pro691Thr. To our knowledge, this variant has not been reported in the literature. This variant is reported in 0.43% of alleles in individuals of Ashkenazi Jewish descent in gnomAD. Although we suspect that this variant may be benign, at this time, the clinical significance of this variant is uncertain due to the absence of conclusive functional and genetic evidence.

Ambry Genetics
Classification: Uncertain significance for Inborn genetic diseases. Last evaluated: 2024-12-11. Review status: criteria provided, single submitter. Criteria: Ambry Variant Classification Scheme 2023. Collection method: clinical testing. Allele origin: germline.

Quest Diagnostics Nichols Institute San Juan Capistrano
Classification: Uncertain significance. Last evaluated: 2023-10-09. Review status: criteria provided, single submitter. Criteria: Quest Diagnostics criteria. Collection method: clinical testing. Allele origin: unknown.

Breakthrough Genomics
Classification: Uncertain significance. Review status: criteria provided, single submitter. Criteria: ACMG Guidelines, 2015. Collection method: not provided. Allele origin: germline. Inheritance: Autosomal recessive inheritance. Affected: yes.

Bioscientia Institut fuer Medizinische Diagnostik GmbH, Sonic Healthcare
Classification: Uncertain significance for von Willebrand disease type 1. Last evaluated: 2019-11-29. Review status: no assertion criteria provided. Collection method: clinical testing. Allele origin: germline. Affected: yes. Not counted in ClinVar's aggregate classification.

NM_000552.5(VWF):c.2071C>A (p.Pro691Thr)

Gene: VWF (von Willebrand factor; minus strand). Cytogenetic location: 12p13.31.
Variant type: single nucleotide variant.
Coding change: c.2071C>A on transcript NM_000552.5 (MANE Select); coding-DNA position 2071, C replaced by A.
Protein change: p.Pro691Thr; replaces proline 691 with threonine.
Molecular consequence: missense variant.
Genome position (GRCh38, 1-based): chr12:6,052,658, G>T on the plus strand (C>A on the coding strand, the complement: VWF is on the minus strand). VCF-style: chr12-6052658-G-T. GRCh37 (hg19) VCF-style: chr12-6161824-G-T.
Other names: c.2071C>A (NM_000552.3); short protein forms P691T.
Identifiers: ClinVar variation 829927 (VCV000829927.12), dbSNP rs199623726, ClinGen allele CA6403185.
Genomic context (GRCh38, chr12:6,052,658, plus strand): 5'-AGTAACAGGGGCACTGGGCCTTGGGCACGCAGTCCCCCCTCTCATCCATGTAGAGCCCTG[G>T]GGGGCAGAAGCAGCCCTCCAGGCAGGCCTCATTGCATTCCTCATCCGGGTAAGAGAGAGA-3'
Protein context (NP_000543.3, residues 681-701): EACLEGCFCP[Pro691Thr]GLYMDERGDC